The following is an entry in ClinVar:

NM_001032382.2(PQBP1):c.510G>A (p.Arg170=)

Gene: PQBP1 (polyglutamine binding protein 1; plus strand). Cytogenetic location: Xp11.23.
Variant type: single nucleotide variant.
Coding change: c.510G>A on transcript NM_001032382.2 (MANE Select); coding-DNA position 510, G replaced by A.
Protein change: p.Arg170=; no amino-acid change (arginine 170 retained).
Molecular consequence: synonymous variant. On other transcripts: intron variant (1).
Genome position (GRCh38, 1-based): chrX:48,902,450, G>A. VCF-style: chrX-48902450-G-A. GRCh37 (hg19) VCF-style: chrX-48759727-G-A.
Other names: c.510G>A, p.Arg170= (NM_001032381.2, NM_001032383.2, NM_001032384.1 and 2 more transcripts); c.486G>A, p.Arg162= (NM_001167990.2); c.210G>A, p.Arg70= (NM_001167992.1); c.293-282G>A (NM_144495.3).
Identifiers: ClinVar variation 1185890 (VCV001185890.35), dbSNP rs782103312, ClinGen allele CA10405932.
Genomic context (GRCh38, chrX:48,902,450, plus strand): 5'-CAGAGAGAGAGAGCGAGACAGGGAACGGGATCGGGACCGCGGGTATGACAAGGCAGACCG[G>A]GAAGAGGGCAAAGAACGGCGCCACCATCGCCGGGAGGAGCTGGCTCCCTATCCCAAGAGC-3'
Protein context (NP_001027554.1, residues 160-180): DRDRGYDKAD[Arg170=]EEGKERRHHR

ClinVar aggregate classification (germline): Conflicting classifications of pathogenicity. Review status: criteria provided, conflicting classifications (1 of 4 stars). 4 submissions from 4 submitters: Uncertain significance (1); Likely benign (3). Last evaluated 2025-10-02.

Allele frequency attached by ClinVar (database versions not stated): gnomAD 0.00001; TOPMed 0.00001; ExAC 0.00002; gnomAD exomes 0.00002 and 0.00003.
gnomAD v4.1: 19 of 1,206,640 alleles (0.0016%); highest among the groups gnomAD compares: Middle Eastern, 0.046%; no homozygotes.

Submissions (4):

Labcorp Genetics (formerly Invitae), Labcorp
Classification: Likely benign. Last evaluated: 2025-10-02. Review status: criteria provided, single submitter. Criteria: Invitae Variant Classification Sherloc (09022015). Collection method: clinical testing. Allele origin: germline.

CeGaT Center for Human Genetics Tuebingen
Classification: Likely benign. Last evaluated: 2024-08-01. Review status: criteria provided, single submitter. Criteria: CeGaT Center For Human Genetics Tuebingen Variant Classification Criteria Version 2. Collection method: clinical testing. Allele origin: germline. Affected: yes. Observed: 2 variant alleles.
Comment: PQBP1: BP4, BP7

GeneDx
Classification: Likely benign. Last evaluated: 2020-05-11. Review status: criteria provided, single submitter. Criteria: GeneDx Variant Classification Process June 2021. Collection method: clinical testing. Allele origin: germline. Affected: yes.

Genetic Services Laboratory, University of Chicago
Classification: Uncertain significance. Last evaluated: 2017-08-17. Review status: criteria provided, single submitter. Criteria: ACMG Guidelines, 2015. Collection method: clinical testing. Allele origin: germline. Affected: no.